The following is an entry in ClinVar:

ClinVar aggregate classification (germline): Likely pathogenic (1 of 4 stars; one submission).

Conditions:
Hereditary insensitivity to pain with anhidrosis (CIPA). Also called: NEUROPATHY, CONGENITAL SENSORY, WITH ANHIDROSIS; HSAN Type IV; FAMILIAL DYSAUTONOMIA, TYPE II; NTRK1 Congenital Insensitivity to Pain with Anhidrosis; hereditary sensory and autonomic neuropathy type 4; INSENSITIVITY TO PAIN, CONGENITAL, WITH ANHIDROSIS. Identifiers: Orphanet 642, MedGen C0020074, MONDO:0009746, OMIM 256800.

Submission:

Baylor Genetics
Classification: Likely pathogenic for Hereditary insensitivity to pain with anhidrosis. Last evaluated: 2014-06-10. Review status: criteria provided, single submitter. Criteria: Yang et al. 2013. Collection method: clinical testing. Allele origin: paternal. Inheritance: Autosomal recessive inheritance. Affected: yes. Observed: 1 variant allele, 1 compound heterozygote. Study: Adult_WES.

Literature cited by the submitters: PubMed 26633545.

NM_002529.4(NTRK1):c.1040G>C (p.Arg347Pro)

Gene: NTRK1 (neurotrophic receptor tyrosine kinase 1; plus strand). Cytogenetic location: 1q23.1.
Variant type: single nucleotide variant.
Coding change: c.1040G>C on transcript NM_002529.4 (MANE Select); coding-DNA position 1040, G replaced by C.
Protein change: p.Arg347Pro; replaces arginine 347 with proline.
Molecular consequence: missense variant.
Genome position (GRCh38, 1-based): chr1:156,873,822, G>C. VCF-style: chr1-156873822-G-C. GRCh37 (hg19) VCF-style: chr1-156843614-G-C.
Other names: c.950G>C, p.Arg317Pro (NM_001007792.1); c.1040G>C, p.Arg347Pro (NM_001012331.2); short protein forms R317P, R347P.
Identifiers: ClinVar variation 209178 (VCV000209178.2), dbSNP rs797045060, ClinGen allele CA276148.